The following is an entry in ClinVar:

NM_000095.3(COMP):c.1112G>A (p.Cys371Tyr)

Gene: COMP (cartilage oligomeric matrix protein; minus strand). Cytogenetic location: 19p13.11.
Variant type: single nucleotide variant.
Coding change: c.1112G>A on transcript NM_000095.3 (MANE Select); coding-DNA position 1112, G replaced by A.
Protein change: p.Cys371Tyr; replaces cysteine 371 with tyrosine.
Molecular consequence: missense variant.
Genome position (GRCh38, 1-based): chr19:18,787,514, C>T on the plus strand (G>A on the coding strand, the complement: COMP is on the minus strand). VCF-style: chr19-18787514-C-T. GRCh37 (hg19) VCF-style: chr19-18898323-C-T.
Other names: short protein forms C371Y.
Identifiers: ClinVar variation 381656 (VCV000381656.7), dbSNP rs1057521130, ClinGen allele CA16607768.

ClinVar aggregate classification (germline): Pathogenic/Likely pathogenic. Review status: criteria provided, multiple submitters, no conflicts (2 of 4 stars). 3 submissions from 3 submitters: Pathogenic (2); Likely pathogenic (1). Last evaluated 2022-05-03.

Conditions:
Multiple epiphyseal dysplasia type 1. Also called: COMP-Related Multiple Epiphyseal Dysplasia. Identifiers: Orphanet 93308, MedGen C1838280, MONDO:0007561, OMIM 132400.

Submissions (3):

Labcorp Genetics (formerly Invitae), Labcorp
Classification: Pathogenic. Last evaluated: 2022-05-03. Review status: criteria provided, single submitter. Criteria: Invitae Variant Classification Sherloc (09022015). Collection method: clinical testing. Allele origin: germline.
Comment: For these reasons, this variant has been classified as Pathogenic. This variant disrupts the p.Cys371 amino acid residue in COMP. Other variant(s) that disrupt this residue have been observed in individuals with COMP-related conditions (PMID: 9184241, 12483304, 21965141), which suggests that this may be a clinically significant amino acid residue. Advanced modeling of protein sequence and biophysical properties (such as structural, functional, and spatial information, amino acid conservation, physicochemical variation, residue mobility, and thermodynamic stability) performed at Invitae indicates that this missense variant is expected to disrupt COMP protein function. ClinVar contains an entry for this variant (Variation ID: 381656). This missense change has been observed in individuals with clinical features of epiphyseal dysplasia and/or pseudoachondroplasia (PMID: 21922596, 21965141). This variant is not present in population databases (gnomAD no frequency). This sequence change replaces cysteine, which is neutral and slightly polar, with tyrosine, which is neutral and polar, at codon 371 of the COMP protein (p.Cys371Tyr).

GeneDx
Classification: Likely pathogenic. Last evaluated: 2016-12-05. Review status: criteria provided, single submitter. Criteria: GeneDx Variant Classification (06012015). Collection method: clinical testing. Allele origin: germline. Affected: yes.
Comment: The C371Y variant in the COMP gene has been previously reported in patients with a radiologically confirmed diagnosis of multiple epiphyseal dysplasia (MED) (Kim et al., 2011; Jackson et al., 2012). It was not observed in approximately 6,500 individuals of European and African American ancestry in the NHLBI Exome Sequencing Project, indicating it is not a common benign variant in these populations. C371Y is a non-conservative amino acid substitution, which is likely to impact secondary protein structure as these residues differ in polarity, charge, size and/or other properties. This substitution occurs at a position that is conserved across species and in silico analysis predicts this variant is probably damaging to the protein structure/function. Additionally, X-ray crystallography and protein analysis indicates C371 forms a di-sulfide bond with C351 indicating this residue is important in proper protein structure (Tan et al. 2009). Missense variants at the same (C371S/F) have been reported in the Human Gene Mutation Database in association with COMP-related disorders (Stenson et al., 2014), further supporting the functional importance of this residue of the protein.

Clinical Genetics Service, Universitary Hospital 12 de Octubre
Classification: Pathogenic for Multiple epiphyseal dysplasia type 1. Review status: criteria provided, single submitter. Criteria: ACMG Guidelines, 2015. Collection method: clinical testing. Allele origin: germline. Affected: yes.

Literature cited by the submitters: PubMed 9184241 (cited by Labcorp Genetics (formerly Invitae), Labcorp); PubMed 12483304 (cited by Labcorp Genetics (formerly Invitae), Labcorp); PubMed 21965141 (cited by Labcorp Genetics (formerly Invitae), Labcorp); PubMed 21922596 (cited by Labcorp Genetics (formerly Invitae), Labcorp).